The following is an entry in ClinVar:

ClinVar aggregate classification (germline): Benign (1 of 4 stars; one submission).

Conditions:
Breast-ovarian cancer, familial, susceptibility to, 4. Identifiers: Orphanet 145, MedGen C3280345, MONDO:0013669, OMIM 614291.

gnomAD v4.1: 1 of 1,613,370 alleles (0.000062%); no homozygotes.

Submission:

Myriad Genetics, Inc.
Classification: Benign for Breast-ovarian cancer, familial, susceptibility to, 4. Last evaluated: 2025-02-25. Review status: criteria provided, single submitter. Criteria: Myriad Autosomal Dominant, Autosomal Recessive and X-Linked Classification Criteria (2023). Collection method: clinical testing. Allele origin: unknown.
Comment: This variant is considered benign. This variant is a silent/synonymous amino acid change and it is not expected to impact splicing.

NM_002878.4(RAD51D):c.906A>G (p.Pro302=)

Genes: RAD51L3-RFFL (RAD51L3-RFFL readthrough; minus strand), RAD51D (RAD51 paralog D; minus strand). Cytogenetic location: 17q12.
Variant type: single nucleotide variant.
Coding change: c.906A>G on transcript NM_002878.4 (MANE Select); coding-DNA position 906, A replaced by G.
Protein change: p.Pro302=; no amino-acid change (proline 302 retained).
Molecular consequence: synonymous variant. On other transcripts: non-coding transcript variant (2).
Genome position (GRCh38, 1-based): chr17:35,101,034, T>C on the plus strand (A>G on the coding strand, the complement: RAD51D is on the minus strand). VCF-style: chr17-35101034-T-C. GRCh37 (hg19) VCF-style: chr17-33428053-T-C.
Other names: c.966A>G, p.Pro322= (NM_001142571.2); c.570A>G, p.Pro190= (NM_133629.3).
Identifiers: ClinVar variation 3903840 (VCV003903840.1).